The following is an entry in ClinVar:

NM_004563.4(PCK2):c.731G>A (p.Arg244Gln)

Genes: NRL (neural retina leucine zipper; minus strand), PCK2 (phosphoenolpyruvate carboxykinase 2, mitochondrial; plus strand). Cytogenetic location: 14q11.2.
Variant type: single nucleotide variant.
Coding change: c.731G>A on transcript NM_004563.4 (MANE Select); coding-DNA position 731, G replaced by A.
Protein change: p.Arg244Gln; replaces arginine 244 with glutamine.
Molecular consequence: missense variant. On other transcripts: intron variant (3).
Genome position (GRCh38, 1-based): chr14:24,099,115, G>A. VCF-style: chr14-24099115-G-A. GRCh37 (hg19) VCF-style: chr14-24568324-G-A.
Other names: c.731G>A, p.Arg244Gln (NM_001018073.3); c.329G>A, p.Arg110Gln (NM_001291556.2, NM_001308054.2); c.-28+15607C>T (NM_001354768.3, NM_001354770.2); c.-253-14370C>T (NM_006177.5); short protein forms R244Q, R110Q.
Identifiers: ClinVar variation 2747882 (VCV002747882.3), dbSNP rs371707131, ClinGen allele CA7123212.

ClinVar aggregate classification (germline): Uncertain significance (1 of 4 stars; one submission).

Allele frequency attached by ClinVar (database versions not stated): gnomAD 0.00003; gnomAD exomes 0.00005; TOPMed 0.00005; ESP Exome Variant Server 0.00015; 1000 Genomes Project 30x 0.00016; ExAC 0.00016; 1000 Genomes Project 0.00020.
gnomAD v4.1: 73 of 1,612,126 alleles (0.0045%); highest among the groups gnomAD compares: South Asian, 0.021%; no homozygotes.

Submission:

Labcorp Genetics (formerly Invitae), Labcorp
Classification: Uncertain significance. Last evaluated: 2022-12-15. Review status: criteria provided, single submitter. Criteria: Invitae Variant Classification Sherloc (09022015). Collection method: clinical testing. Allele origin: germline.
Comment: In summary, the available evidence is currently insufficient to determine the role of this variant in disease. Therefore, it has been classified as a Variant of Uncertain Significance. Algorithms developed to predict the effect of sequence changes on RNA splicing suggest that this variant may create or strengthen a splice site. Advanced modeling of protein sequence and biophysical properties (such as structural, functional, and spatial information, amino acid conservation, physicochemical variation, residue mobility, and thermodynamic stability) performed at Invitae indicates that this missense variant is not expected to disrupt PCK2 protein function. This missense change has been observed in individual(s) with PEPCK deficiency (PMID: 24215330). This variant is present in population databases (rs371707131, gnomAD 0.03%). This sequence change replaces arginine, which is basic and polar, with glutamine, which is neutral and polar, at codon 244 of the PCK2 protein (p.Arg244Gln).

Literature cited by the submitters: PubMed 24215330.